The following is an entry in ClinVar:

ClinVar aggregate classification (germline): Uncertain significance (1 of 4 stars; one submission).

Submission:

Labcorp Genetics (formerly Invitae), Labcorp
Classification: Uncertain significance. Last evaluated: 2022-06-13. Review status: criteria provided, single submitter. Criteria: Invitae Variant Classification Sherloc (09022015). Collection method: clinical testing. Allele origin: germline.
Comment: Algorithms developed to predict the effect of missense changes on protein structure and function (SIFT, PolyPhen-2, Align-GVGD) all suggest that this variant is likely to be disruptive. This missense change has been observed in individual(s) with clinical features of TNNI3K-related conditions (Invitae). This variant is not present in population databases (gnomAD no frequency). This sequence change replaces threonine, which is neutral and polar, with isoleucine, which is neutral and non-polar, at codon 439 of the TNNI3K protein (p.Thr439Ile). In summary, the available evidence is currently insufficient to determine the role of this variant in disease. Therefore, it has been classified as a Variant of Uncertain Significance.

NM_015978.3(TNNI3K):c.1316C>T (p.Thr439Ile)

Genes: TNNI3K (TNNI3 interacting kinase; plus strand), FPGT-TNNI3K (FPGT-TNNI3K readthrough; plus strand). Cytogenetic location: 1p31.1.
Variant type: single nucleotide variant.
Coding change: c.1316C>T on transcript NM_015978.3 (MANE Select); coding-DNA position 1316, C replaced by T.
Protein change: p.Thr439Ile; replaces threonine 439 with isoleucine.
Molecular consequence: missense variant.
Genome position (GRCh38, 1-based): chr1:74,367,959, C>T. VCF-style: chr1-74367959-C-T. GRCh37 (hg19) VCF-style: chr1-74833643-C-T.
Other names: c.1619C>T, p.Thr540Ile (NM_001112808.3, NM_001199327.2); short protein forms T540I, T439I.
Identifiers: ClinVar variation 2005902 (VCV002005902.4), dbSNP rs923388289, ClinGen allele CA340785686.